The following is an entry in ClinVar:

ClinVar aggregate classification (germline): Uncertain significance (1 of 4 stars; one submission).

Conditions:
Vici syndrome (VICIS). Identifiers: Orphanet 1493, MedGen C1855772, MONDO:0009452, OMIM 242840.

Allele frequency attached by ClinVar (database versions not stated): gnomAD exomes below 0.00001; TOPMed below 0.00001; gnomAD 0.00001.
gnomAD v4.1: 4 of 1,613,954 alleles (0.00025%); highest among the groups gnomAD compares: Non-Finnish European, 0.00034%; no homozygotes.

Submission:

Labcorp Genetics (formerly Invitae), Labcorp
Classification: Uncertain significance for Vici syndrome. Last evaluated: 2022-07-12. Review status: criteria provided, single submitter. Criteria: Invitae Variant Classification Sherloc (09022015). Collection method: clinical testing. Allele origin: germline.
Comment: This sequence change replaces valine, which is neutral and non-polar, with glycine, which is neutral and non-polar, at codon 2406 of the EPG5 protein (p.Val2406Gly). This variant is not present in population databases (gnomAD no frequency). This variant has not been reported in the literature in individuals affected with EPG5-related conditions. ClinVar contains an entry for this variant (Variation ID: 1463096). Algorithms developed to predict the effect of missense changes on protein structure and function are either unavailable or do not agree on the potential impact of this missense change (SIFT: "Deleterious"; PolyPhen-2: "Probably Damaging"; Align-GVGD: "Class C0"). In summary, the available evidence is currently insufficient to determine the role of this variant in disease. Therefore, it has been classified as a Variant of Uncertain Significance.

NM_020964.3(EPG5):c.7217T>G (p.Val2406Gly)

Gene: EPG5 (ectopic P-granules 5 autophagy tethering factor; minus strand). Cytogenetic location: 18q12.3.
Variant type: single nucleotide variant.
Coding change: c.7217T>G on transcript NM_020964.3 (MANE Select); coding-DNA position 7217, T replaced by G.
Protein change: p.Val2406Gly; replaces valine 2406 with glycine.
Molecular consequence: missense variant.
Genome position (GRCh38, 1-based): chr18:45,858,575, A>C on the plus strand (T>G on the coding strand, the complement: EPG5 is on the minus strand). VCF-style: chr18-45858575-A-C. GRCh37 (hg19) VCF-style: chr18-43438540-A-C.
Other names: short protein forms V2406G.
Identifiers: ClinVar variation 1463096 (VCV001463096.6), dbSNP rs1489617016, ClinGen allele CA402336263.